The following is an entry in ClinVar:

NM_001378454.1(ALMS1):c.6502A>G (p.Ile2168Val)

Gene: ALMS1 (ALMS1 centrosome and basal body associated protein; plus strand). Cytogenetic location: 2p13.1.
Variant type: single nucleotide variant.
Coding change: c.6502A>G on transcript NM_001378454.1 (MANE Select); coding-DNA position 6502, A replaced by G.
Protein change: p.Ile2168Val; replaces isoleucine 2168 with valine.
Molecular consequence: missense variant.
Genome position (GRCh38, 1-based): chr2:73,453,029, A>G. VCF-style: chr2-73453029-A-G. GRCh37 (hg19) VCF-style: chr2-73680156-A-G.
Other names: c.6505A>G, p.Ile2169Val (NM_015120.4); short protein forms I2168V, I2169V.
Identifiers: ClinVar variation 2118795 (VCV002118795.5), dbSNP rs2466109303, ClinGen allele CA347288196.

ClinVar aggregate classification (germline): Uncertain significance. Review status: criteria provided, multiple submitters, no conflicts (2 of 4 stars). 2 submissions from 2 submitters: Uncertain significance (2). Last evaluated 2023-06-14.

Conditions:
ALMS1-related disorder. Also called: ALMS1-related condition.
Alstrom syndrome (ALMS). Identifiers: Orphanet 64, MedGen C0268425, MONDO:0008763, OMIM 203800.

Submissions (2):

PreventionGenetics, part of Exact Sciences
Classification: Uncertain significance for ALMS1-related condition. Last evaluated: 2023-06-14. Review status: criteria provided, single submitter. Criteria: ACMG Guidelines, 2015. Collection method: clinical testing. Allele origin: germline.
Comment: The ALMS1 c.6505A>G variant is predicted to result in the amino acid substitution p.Ser2169Gly. To our knowledge, this variant has not been reported in the literature. This variant is reported in 0.0018% of alleles in individuals of European (Non-Finnish) descent in gnomAD. At this time, the clinical significance of this variant is uncertain due to the absence of conclusive functional and genetic evidence.

Labcorp Genetics (formerly Invitae), Labcorp
Classification: Uncertain significance for Alstrom syndrome. Last evaluated: 2022-04-04. Review status: criteria provided, single submitter. Criteria: Invitae Variant Classification Sherloc (09022015). Collection method: clinical testing. Allele origin: germline.
Comment: This variant is not present in population databases (gnomAD no frequency). This sequence change replaces isoleucine, which is neutral and non-polar, with valine, which is neutral and non-polar, at codon 2169 of the ALMS1 protein (p.Ile2169Val). This variant has not been reported in the literature in individuals affected with ALMS1-related conditions. Experimental studies and prediction algorithms are not available or were not evaluated, and the functional significance of this variant is currently unknown. In summary, the available evidence is currently insufficient to determine the role of this variant in disease. Therefore, it has been classified as a Variant of Uncertain Significance.